The following is an entry in ClinVar:

ClinVar aggregate classification (germline): Benign/Likely benign. Review status: criteria provided, single submitter (1 of 4 stars). 2 submissions from 1 submitter: Benign (1); Likely benign (1). Last evaluated 2018-01-12.

Conditions:
Isolated microphthalmia 5. Also called: Posterior Microphthalmia with Retinitis Pigmentosa, Foveoschisis, and Optic Disc Drusen. Identifiers: Orphanet 251279, MedGen C1970236, MONDO:0012605, OMIM 611040.
Late-onset retinal degeneration (LORD). Also called: RETINAL DEGENERATION, LATE-ONSET, AUTOSOMAL DOMINANT. Identifiers: Orphanet 67042, MedGen C1854065, MONDO:0011579, OMIM 605670. Disease mechanism: loss of function.

Allele frequency attached by ClinVar (database versions not stated): gnomAD 0.00005 and 0.00142; TOPMed 0.00014; gnomAD exomes 0.00220 and 0.00484; ExAC 0.00523; 1000 Genomes Project 0.01158; 1000 Genomes Project 30x 0.01202.
gnomAD v4.1: 3,444 of 1,603,536 alleles (0.21%); highest among the groups gnomAD compares: South Asian, 3.6%; 100 homozygotes.

Submissions (2):

Illumina Laboratory Services, Illumina
Classification: Likely benign for Isolated microphthalmia 5. Last evaluated: 2018-01-12. Review status: criteria provided, single submitter. Criteria: ICSL Variant Classification Criteria 13 December 2019. Collection method: clinical testing. Allele origin: germline.
Comment: This variant was observed in the ICSL laboratory as part of a predisposition screen in an ostensibly healthy population. It had not been previously curated by ICSL or reported in the Human Gene Mutation Database (HGMD: prior to June 1st, 2018), and was therefore a candidate for classification through an automated scoring system. Utilizing variant allele frequency, disease prevalence and penetrance estimates, and inheritance mode, an automated score was calculated to assess if this variant is too frequent to cause the disease. Based on the score and internal cut-off values, a variant classified as likely benign is not then subjected to further curation. The score for this variant resulted in a classification of likely benign for this disease.

Illumina Laboratory Services, Illumina
Classification: Benign for Late-onset retinal degeneration. Last evaluated: 2018-01-12. Review status: criteria provided, single submitter. Criteria: ICSL Variant Classification Criteria 13 December 2019. Collection method: clinical testing. Allele origin: germline.
Comment: This variant was observed in the ICSL laboratory as part of a predisposition screen in an ostensibly healthy population. It had not been previously curated by ICSL or reported in the Human Gene Mutation Database (HGMD: prior to June 1st, 2018), and was therefore a candidate for classification through an automated scoring system. Utilizing variant allele frequency, disease prevalence and penetrance estimates, and inheritance mode, an automated score was calculated to assess if this variant is too frequent to cause the disease. Based on the score and internal cut-off values, a variant classified as benign is not then subjected to further curation. The score for this variant resulted in a classification of benign for this disease.

NM_001278431.2(C1QTNF5):c.*34C>G

Genes: MFRP (membrane frizzled-related protein; minus strand), C1QTNF5 (C1q and TNF related 5; minus strand). Cytogenetic location: 11q23.3.
Variant type: single nucleotide variant.
Coding change: c.*34C>G on transcript NM_001278431.2 (MANE Select); 34 bases downstream of the stop codon, C replaced by G.
Molecular consequence: 3 prime UTR variant.
Genome position (GRCh38, 1-based): chr11:119,339,297, G>C on the plus strand (C>G on the coding strand, the complement: C1QTNF5 is on the minus strand). VCF-style: chr11-119339297-G-C. GRCh37 (hg19) VCF-style: chr11-119210007-G-C.
Other names: c.*34C>G (NM_015645.5); c.*1662C>G (NM_031433.4).
Identifiers: ClinVar variation 302923 (VCV000302923.6), dbSNP rs200181343, ClinGen allele CA6319889.